The following is an entry in ClinVar:

NM_000548.5(TSC2):c.751G>A (p.Glu251Lys)

Gene: TSC2 (TSC complex subunit 2; plus strand). Cytogenetic location: 16p13.3.
Variant type: single nucleotide variant.
Coding change: c.751G>A on transcript NM_000548.5 (MANE Select); coding-DNA position 751, G replaced by A.
Protein change: p.Glu251Lys; replaces glutamic acid 251 with lysine.
Molecular consequence: missense variant.
Genome position (GRCh38, 1-based): chr16:2,056,746, G>A. VCF-style: chr16-2056746-G-A. GRCh37 (hg19) VCF-style: chr16-2106747-G-A.
Other names: c.751G>A, p.Glu251Lys (NM_001370405.1, NM_021055.3, NM_001077183.3 and 3 more transcripts); c.640G>A, p.Glu214Lys (NM_001318827.2); c.604G>A, p.Glu202Lys (NM_001318829.2); c.151G>A, p.Glu51Lys (NM_001318831.2); c.784G>A, p.Glu262Lys (NM_001318832.2); short protein forms E251K, E262K, E51K, E214K, E202K.
Identifiers: ClinVar variation 468179 (VCV000468179.12), dbSNP rs1114167465, ClinGen allele CA394312779.

ClinVar aggregate classification (germline): Uncertain significance. Review status: criteria provided, multiple submitters, no conflicts (2 of 4 stars). 3 submissions from 3 submitters: Uncertain significance (3). Last evaluated 2025-07-17.

Conditions:
Tuberous sclerosis 2 (TSC2). Identifiers: Orphanet 805, MedGen C1860707, MONDO:0013199, OMIM 613254.
Isolated focal cortical dysplasia type II (FCORD2). Also called: CORTICAL DYSPLASIA OF TAYLOR; Focal cortical dysplasia type II. Identifiers: Orphanet 268994, MedGen C1846385, MONDO:0011818, OMIM 607341, HP:0032051.
Lymphangiomyomatosis (LAM). Also called: Lymphangioleiomyomatosis; Lymphangioleiomyomatosis, somatic. Identifiers: Orphanet 538, MedGen C0751674, MONDO:0011705, OMIM 606690.
Hereditary cancer-predisposing syndrome. Also called: Hereditary neoplastic syndrome; Neoplastic Syndromes, Hereditary; Tumor predisposition; Hereditary Cancer Syndrome. Identifiers: Orphanet 140162, MedGen C0027672, MeSH D009386, MONDO:0015356.

Allele frequency attached by ClinVar (database versions not stated): TOPMed below 0.00001.

Submissions (3):

Ambry Genetics
Classification: Uncertain significance for Hereditary cancer-predisposing syndrome. Last evaluated: 2025-07-17. Review status: criteria provided, single submitter. Criteria: Ambry Variant Classification Scheme 2023. Collection method: clinical testing. Allele origin: germline.
Comment: The p.E251K variant (also known as c.751G>A), located in coding exon 7 of the TSC2 gene, results from a G to A substitution at nucleotide position 751. The glutamic acid at codon 251 is replaced by lysine, an amino acid with similar properties. This amino acid position is highly conserved in available vertebrate species. In addition, this alteration is predicted to be deleterious by in silico analysis. Since supporting evidence is limited at this time, the clinical significance of this alteration remains unclear.

Labcorp Genetics (formerly Invitae), Labcorp
Classification: Uncertain significance for Tuberous sclerosis 2. Last evaluated: 2024-11-13. Review status: criteria provided, single submitter. Criteria: Invitae Variant Classification Sherloc (09022015). Collection method: clinical testing. Allele origin: germline.
Comment: This sequence change replaces glutamic acid, which is acidic and polar, with lysine, which is basic and polar, at codon 251 of the TSC2 protein (p.Glu251Lys). This variant is not present in population databases (gnomAD no frequency). This variant has not been reported in the literature in individuals affected with TSC2-related conditions. ClinVar contains an entry for this variant (Variation ID: 468179). Invitae Evidence Modeling of protein sequence and biophysical properties (such as structural, functional, and spatial information, amino acid conservation, physicochemical variation, residue mobility, and thermodynamic stability) indicates that this missense variant is not expected to disrupt TSC2 protein function with a negative predictive value of 95%. In summary, the available evidence is currently insufficient to determine the role of this variant in disease. Therefore, it has been classified as a Variant of Uncertain Significance.

Fulgent Genetics
Classification: Uncertain significance for Lymphangiomyomatosis; Isolated focal cortical dysplasia type II; Tuberous sclerosis 2. Last evaluated: 2024-03-29. Review status: criteria provided, single submitter. Criteria: ACMG Guidelines, 2015. Collection method: clinical testing. Allele origin: germline.